The following is an entry in ClinVar:

NM_001105206.3(LAMA4):c.719-2A>G

Gene: LAMA4 (laminin subunit alpha 4; minus strand). Cytogenetic location: 6q21.
Variant type: single nucleotide variant.
Coding change: c.719-2A>G on transcript NM_001105206.3 (MANE Select); the canonical splice acceptor site of the intron before coding-DNA position 719, A replaced by G.
Molecular consequence: splice acceptor variant.
Genome position (GRCh38, 1-based): chr6:112,189,207, T>C on the plus strand (A>G on the coding strand, the complement: LAMA4 is on the minus strand). VCF-style: chr6-112189207-T-C. GRCh37 (hg19) VCF-style: chr6-112510409-T-C.
Other names: c.719-2A>G (NM_002290.5, NM_001105207.3).
Identifiers: ClinVar variation 213599 (VCV000213599.10), dbSNP rs863223691, ClinGen allele CA323782.

ClinVar aggregate classification (germline): Uncertain significance. Review status: criteria provided, multiple submitters, no conflicts (2 of 4 stars). 2 submissions from 2 submitters: Uncertain significance (2). Last evaluated 2026-03-16.

Conditions:
Dilated cardiomyopathy 1JJ (CMD1JJ). Identifiers: Orphanet 154, MedGen C3808935, MONDO:0014095, OMIM 615235.

Allele frequency attached by ClinVar (database versions not stated): gnomAD exomes 0.00001 and below 0.00001; gnomAD 0.00003; TOPMed below 0.00001.
gnomAD v4.1: 15 of 1,610,960 alleles (0.00093%); highest among the groups gnomAD compares: African/African-American, 0.0067%; no homozygotes.

Submissions (2):

GeneDx
Classification: Uncertain significance. Last evaluated: 2026-03-16. Review status: criteria provided, single submitter. Criteria: GeneDx Variant Classification Process June 2021. Collection method: clinical testing. Allele origin: germline. Affected: yes.
Comment: Identified in patients with cardiomyopathy; however, one individual also harbored a variant in the LDB3 gene (PMID: 32880476); Not observed at significant frequency in large population cohorts (gnomAD); Canonical splice site variant in a gene for which loss of function is not a known mechanism of disease; This variant is associated with the following publications: (PMID: 39285490, 32880476)

Labcorp Genetics (formerly Invitae), Labcorp
Classification: Uncertain significance for Dilated cardiomyopathy 1JJ. Last evaluated: 2025-09-27. Review status: criteria provided, single submitter. Criteria: Invitae Variant Classification Sherloc (09022015). Collection method: clinical testing. Allele origin: germline.
Comment: This sequence change affects an acceptor splice site in intron 6 of the LAMA4 gene. It is expected to disrupt RNA splicing. Variants that disrupt the donor or acceptor splice site typically lead to a loss of protein function (PMID: 16199547), however the current clinical and genetic evidence is not sufficient to establish whether loss-of-function variants in LAMA4 cause disease. This variant is present in population databases (no rsID available, gnomAD 0.01%). Disruption of this splice site has been observed in individual(s) with dilated cardiomyopathy (PMID: 32880476). ClinVar contains an entry for this variant (Variation ID: 213599). Algorithms developed to predict the effect of sequence changes on RNA splicing suggest that this variant may disrupt the consensus splice site. In summary, the available evidence is currently insufficient to determine the role of this variant in disease. Therefore, it has been classified as a Variant of Uncertain Significance.

Literature cited by the submitters: PubMed 16199547 (cited by Labcorp Genetics (formerly Invitae), Labcorp); PubMed 32880476 (cited by Labcorp Genetics (formerly Invitae), Labcorp).